The following is an entry in ClinVar:

ClinVar aggregate classification (germline): Uncertain significance. Review status: criteria provided, multiple submitters, no conflicts (2 of 4 stars). 3 submissions from 3 submitters: Uncertain significance (3). Last evaluated 2023-08-18.

Conditions:
Charcot-Marie-Tooth Neuropathy X. Identifiers: MedGen CN118851.
Combined oxidative phosphorylation deficiency. Identifiers: MedGen C4540031, MONDO:0000732.
Inborn genetic diseases. Identifiers: MedGen C0950123, MeSH D030342.

Allele frequency attached by ClinVar (database versions not stated): gnomAD 0.00001; ExAC 0.00002; TOPMed 0.00002; ESP Exome Variant Server 0.00009; 1000 Genomes Project 30x 0.00021; 1000 Genomes Project 0.00026.
gnomAD v4.1: 6 of 1,210,578 alleles (0.0005%); highest among the groups gnomAD compares: African/African-American, 0.0052%; no homozygotes.

Submissions (3):

Labcorp Genetics (formerly Invitae), Labcorp
Classification: Uncertain significance for Charcot-Marie-Tooth Neuropathy X; Combined oxidative phosphorylation deficiency. Last evaluated: 2023-08-18. Review status: criteria provided, single submitter. Criteria: Invitae Variant Classification Sherloc (09022015). Collection method: clinical testing. Allele origin: germline.
Comment: In summary, the available evidence is currently insufficient to determine the role of this variant in disease. Therefore, it has been classified as a Variant of Uncertain Significance. Advanced modeling of protein sequence and biophysical properties (such as structural, functional, and spatial information, amino acid conservation, physicochemical variation, residue mobility, and thermodynamic stability) has been performed at Invitae for this missense variant, however the output from this modeling did not meet the statistical confidence thresholds required to predict the impact of this variant on AIFM1 protein function. ClinVar contains an entry for this variant (Variation ID: 2430404). This variant has not been reported in the literature in individuals affected with AIFM1-related conditions. This variant is present in population databases (rs369259253, gnomAD 0.006%), including at least one homozygous and/or hemizygous individual. This sequence change replaces threonine, which is neutral and polar, with alanine, which is neutral and non-polar, at codon 512 of the AIFM1 protein (p.Thr512Ala).

Ambry Genetics
Classification: Uncertain significance for Inborn genetic diseases. Last evaluated: 2023-05-04. Review status: criteria provided, single submitter. Criteria: Ambry Variant Classification Scheme 2023. Collection method: clinical testing. Allele origin: germline.

GeneDx
Classification: Uncertain significance. Last evaluated: 2022-08-23. Review status: criteria provided, single submitter. Criteria: GeneDx Variant Classification Process June 2021. Collection method: clinical testing. Allele origin: germline. Affected: yes.
Comment: In silico analysis supports that this missense variant has a deleterious effect on protein structure/function; Has not been previously published as pathogenic or benign to our knowledge

NM_004208.4(AIFM1):c.1534A>G (p.Thr512Ala)

Genes: AIFM1 (apoptosis inducing factor mitochondria associated 1; minus strand), RAB33A (RAB33A, member RAS oncogene family; plus strand). Cytogenetic location: Xq26.1.
Variant type: single nucleotide variant.
Coding change: c.1534A>G on transcript NM_004208.4 (MANE Select); coding-DNA position 1534, A replaced by G.
Protein change: p.Thr512Ala; replaces threonine 512 with alanine.
Molecular consequence: missense variant. On other transcripts: 3 prime UTR variant (1), non-coding transcript variant (1).
Genome position (GRCh38, 1-based): chrX:130,131,714, T>C on the plus strand (A>G on the coding strand, the complement: AIFM1 is on the minus strand). VCF-style: chrX-130131714-T-C. GRCh37 (hg19) VCF-style: chrX-129265689-T-C.
Other names: c.517A>G, p.Thr173Ala (NM_001130846.4); c.*762A>G (NM_001130847.4); c.1522A>G, p.Thr508Ala (NM_145812.3); short protein forms T173A, T508A, T512A.
Identifiers: ClinVar variation 2430404 (VCV002430404.6), dbSNP rs369259253, ClinGen allele CA10515267.
Genomic context (GRCh38, chrX:130,131,714, plus strand): 5'-GGAGTGCTAGGACTTTCTTACCTGACTGCTCTGTGGCAGATTTGGGGTTGTCTTGTGCAG[T>C]TGCTTTTGCAAAAACACCAACTGTGGGCAAACTACTGTCCACAAGACCAATAGCTTCATA-3'
Protein context (NP_004199.1, residues 502-522): LPTVGVFAKA[Thr512Ala]AQDNPKSATE